The following is an entry in ClinVar:

NM_002661.5(PLCG2):c.1160A>C (p.Gln387Pro)

Gene: PLCG2 (phospholipase C gamma 2; plus strand). Cytogenetic location: 16q23.3.
Variant type: single nucleotide variant.
Coding change: c.1160A>C on transcript NM_002661.5 (MANE Select); coding-DNA position 1160, A replaced by C.
Protein change: p.Gln387Pro; replaces glutamine 387 with proline.
Molecular consequence: missense variant.
Genome position (GRCh38, 1-based): chr16:81,895,894, A>C. VCF-style: chr16-81895894-A-C. GRCh37 (hg19) VCF-style: chr16-81929499-A-C.
Other names: short protein forms Q387P.
Identifiers: ClinVar variation 540101 (VCV000540101.19), dbSNP rs201654184, ClinGen allele CA8193624.

ClinVar aggregate classification (germline): Conflicting classifications of pathogenicity. Review status: criteria provided, conflicting classifications (1 of 4 stars). 7 submissions from 7 submitters: Uncertain significance (3); Likely benign (2). 2 of the submissions do not count toward it. Last evaluated 2026-02-12.

Conditions:
PLCG2-related disorder. Also called: PLCG2-related condition.
Familial cold autoinflammatory syndrome 3 (FCAS3). Also called: FAMILIAL ATYPICAL COLD URTICARIA; ANTIBODY DEFICIENCY AND IMMUNE DYSREGULATION, PLCG2-ASSOCIATED. Identifiers: Orphanet 300359, MedGen C3280914, MONDO:0013766, OMIM 614468.

Allele frequency attached by ClinVar (database versions not stated): ExAC 0.00019; TOPMed 0.00022; gnomAD 0.00025; gnomAD exomes 0.00025 and 0.00060; 1000 Genomes Project 30x 0.00031; ESP Exome Variant Server 0.00031.
gnomAD v4.1: 897 of 1,614,118 alleles (0.056%); highest among the groups gnomAD compares: Non-Finnish European, 0.072%; no homozygotes.

Submissions (7):

Women's Health and Genetics/Laboratory Corporation of America, LabCorp
Classification: Uncertain significance. Last evaluated: 2026-02-12. Review status: criteria provided, single submitter. Criteria: LabCorp Variant Classification Summary - May 2015. Collection method: clinical testing. Allele origin: germline.
Comment: Variant summary: PLCG2 c.1160A>C (p.Gln387Pro) results in a non-conservative amino acid change in the encoded protein sequence. Algorithms developed to predict the effect of missense changes on protein structure and function are either unavailable or do not agree on the potential impact of this missense change. The variant allele was found at a frequency of 0.00025 in 249574 control chromosomes. The observed variant frequency exceeds the estimated maximal expected allele frequency for disease-causing variants in PLCG2. To our knowledge, no occurrence of c.1160A>C in individuals affected with PLCG2-related conditions has been reported. At least one publication reports experimental evidence evaluating an impact on protein function (Baysac_2024), the results show that the variant impacts function. The following publication have been ascertained in the context of this evaluation (PMID: 37769878). ClinVar contains an entry for this variant (Variation ID: 540101). Based on the evidence outlined above, the variant was classified as VUS-possibly benign.

Labcorp Genetics (formerly Invitae), Labcorp
Classification: Uncertain significance for Familial cold autoinflammatory syndrome 3. Last evaluated: 2026-01-04. Review status: criteria provided, single submitter. Criteria: Invitae Variant Classification Sherloc (09022015). Collection method: clinical testing. Allele origin: germline.
Comment: This sequence change replaces glutamine, which is neutral and polar, with proline, which is neutral and non-polar, at codon 387 of the PLCG2 protein (p.Gln387Pro). This variant is present in population databases (rs201654184, gnomAD 0.04%), and has an allele count higher than expected for a pathogenic variant. This variant has not been reported in the literature in individuals affected with PLCG2-related conditions. ClinVar contains an entry for this variant (Variation ID: 540101). An algorithm developed to predict the effect of missense changes on protein structure and function (PolyPhen-2) suggests that this variant is likely to be tolerated. Experimental studies have shown that this missense change affects PLCG2 function (PMID: 37769878). In summary, the available evidence is currently insufficient to determine the role of this variant in disease. Therefore, it has been classified as a Variant of Uncertain Significance.

CeGaT Center for Human Genetics Tuebingen
Classification: Likely benign. Last evaluated: 2026-01-01. Review status: criteria provided, single submitter. Criteria: CeGaT Center For Human Genetics Tuebingen Variant Classification Criteria Version 2. Collection method: clinical testing. Allele origin: germline. Affected: yes. Observed: 1 variant allele.
Comment: PLCG2: BP4

PreventionGenetics, part of Exact Sciences
Classification: Uncertain significance for PLCG2-related condition. Last evaluated: 2025-02-25. Review status: criteria provided, single submitter. Criteria: ACMG Guidelines, 2015. Collection method: clinical testing. Allele origin: germline.
Comment: The PLCG2 c.1160A>C variant is predicted to result in the amino acid substitution p.Gln387Pro. This variant has been reported in an individual with immune dysregulation, low IgG, and reduced class switched memory B cells (Supplemental Tables, Baysac et al. 2024. PubMed ID: 37769878). A functional study using in vitro B cells showed that this variant is a hypomorph (Supplemental Table, Baysac et al. 2024. PubMed ID: 37769878). This variant is reported in 0.045% of alleles in individuals of European (Non-Finnish) descent in gnomAD, which may be too common to be causative. Although we suspect that this variant may be benign, at this time, the clinical significance of this variant is uncertain due to the absence of conclusive functional and genetic evidence.

Blueprint Genetics
Classification: Likely benign. Last evaluated: 2024-05-09. Review status: criteria provided, single submitter. Criteria: ACMG Guidelines, 2015. Collection method: clinical testing. Allele origin: germline.

Clinical Genetics DNA and cytogenetics Diagnostics Lab, Erasmus MC, Erasmus Medical Center
Classification: Likely benign. Review status: no assertion criteria provided. Collection method: clinical testing. Allele origin: germline. Affected: yes. Study: VKGL Data-share Consensus. Not counted in ClinVar's aggregate classification.

Genome Diagnostics Laboratory, University Medical Center Utrecht
Classification: Likely benign. Review status: no assertion criteria provided. Collection method: clinical testing. Allele origin: germline. Affected: yes. Study: VKGL Data-share Consensus. Not counted in ClinVar's aggregate classification.

Literature cited by the submitters: PubMed 37769878 (cited by Women's Health and Genetics/Laboratory Corporation of America, LabCorp and Labcorp Genetics (formerly Invitae), Labcorp).